The following is an entry in ClinVar:

ClinVar aggregate classification (germline): Uncertain significance (1 of 4 stars; one submission).

Submission:

Labcorp Genetics (formerly Invitae), Labcorp
Classification: Uncertain significance. Last evaluated: 2021-10-29. Review status: criteria provided, single submitter. Criteria: Invitae Variant Classification Sherloc (09022015). Collection method: clinical testing. Allele origin: germline.
Comment: In summary, the available evidence is currently insufficient to determine the role of this variant in disease. Therefore, it has been classified as a Variant of Uncertain Significance. Algorithms developed to predict the effect of missense changes on protein structure and function (SIFT, PolyPhen-2, Align-GVGD) all suggest that this variant is likely to be tolerated. This sequence change replaces lysine, which is basic and polar, with asparagine, which is neutral and polar, at codon 1562 of the POLE protein (p.Lys1562Asn). This variant is not present in population databases (gnomAD no frequency). This variant has not been reported in the literature in individuals affected with POLE-related conditions.

NM_006231.4(POLE):c.4686G>T (p.Lys1562Asn)

Gene: POLE (DNA polymerase epsilon, catalytic subunit; minus strand). Cytogenetic location: 12q24.33.
Variant type: single nucleotide variant.
Coding change: c.4686G>T on transcript NM_006231.4 (MANE Select); coding-DNA position 4686, G replaced by T.
Protein change: p.Lys1562Asn; replaces lysine 1562 with asparagine.
Molecular consequence: missense variant.
Genome position (GRCh38, 1-based): chr12:132,642,862, C>A on the plus strand (G>T on the coding strand, the complement: POLE is on the minus strand). VCF-style: chr12-132642862-C-A. GRCh37 (hg19) VCF-style: chr12-133219448-C-A.
Other names: short protein forms K1562N.
Identifiers: ClinVar variation 1423667 (VCV001423667.6), dbSNP rs772115782, ClinGen allele CA387378803.